The following is an entry in ClinVar:

NM_001376.5(DYNC1H1):c.5283C>T (p.Asn1761=)

Gene: DYNC1H1 (dynein cytoplasmic 1 heavy chain 1; plus strand). Cytogenetic location: 14q32.31.
Variant type: single nucleotide variant.
Coding change: c.5283C>T on transcript NM_001376.5 (MANE Select); coding-DNA position 5283, C replaced by T.
Protein change: p.Asn1761=; no amino-acid change (asparagine 1761 retained).
Molecular consequence: synonymous variant.
Genome position (GRCh38, 1-based): chr14:102,005,086, C>T. VCF-style: chr14-102005086-C-T. GRCh37 (hg19) VCF-style: chr14-102471423-C-T.
Identifiers: ClinVar variation 389467 (VCV000389467.11), dbSNP rs1057523440, ClinGen allele CA16606485.
Genomic context (GRCh38, chr14:102,005,086, plus strand): 5'-TTTCTGTGTCTTTCAGGCCCAGCTTGTGGTTTTGTCAGCCCAGATAGCCTGGTCTGAGAA[C>T]GTGGAGACCGCACTGAGCAGCATGGGCGGAGGTGGAGATGCCGCGCCCTTGCACTCTGTG-3'
Protein context (NP_001367.2, residues 1751-1771): VLSAQIAWSE[Asn1761=]VETALSSMGG

ClinVar aggregate classification (germline): Likely benign. Review status: criteria provided, multiple submitters, no conflicts (2 of 4 stars). 4 submissions from 4 submitters: Likely benign (4). Last evaluated 2025-12-28.

Conditions:
Inborn genetic diseases. Identifiers: MedGen C0950123, MeSH D030342.
Charcot-Marie-Tooth disease axonal type 2O. Also called: Charcot-Marie-Tooth disease, axonal, type 20; CHARCOT-MARIE-TOOTH NEUROPATHY, AXONAL, TYPE 2O; CHARCOT-MARIE-TOOTH DISEASE, AXONAL, AUTOSOMAL DOMINANT, TYPE 2O; Charcot-Marie-Tooth Neuropathy Type 2O. Identifiers: Orphanet 284232, MedGen C3280220, MONDO:0013644, OMIM 614228.

Allele frequency attached by ClinVar (database versions not stated): gnomAD exomes below 0.00001 and 0.00001.
gnomAD v4.1: 11 of 1,614,072 alleles (0.00068%); highest among the groups gnomAD compares: Admixed American, 0.0017%; no homozygotes.

Submissions (4):

Labcorp Genetics (formerly Invitae), Labcorp
Classification: Likely benign for Charcot-Marie-Tooth disease axonal type 2O. Last evaluated: 2025-12-28. Review status: criteria provided, single submitter. Criteria: Invitae Variant Classification Sherloc (09022015). Collection method: clinical testing. Allele origin: germline.

Ambry Genetics
Classification: Likely benign for Inborn genetic diseases. Last evaluated: 2019-04-22. Review status: criteria provided, single submitter. Criteria: Ambry Variant Classification Scheme 2023. Collection method: clinical testing. Allele origin: germline.

GeneDx
Classification: Likely benign. Last evaluated: 2016-09-22. Review status: criteria provided, single submitter. Criteria: GeneDx Variant Classification (06012015). Collection method: clinical testing. Allele origin: germline. Affected: yes.
Comment: This variant is considered likely benign or benign based on one or more of the following criteria: it is a conservative change, it occurs at a poorly conserved position in the protein, it is predicted to be benign by multiple in silico algorithms, and/or has population frequency not consistent with disease.

Breakthrough Genomics
Classification: Likely benign. Review status: criteria provided, single submitter. Criteria: ACMG Guidelines, 2015. Collection method: not provided. Allele origin: germline. Inheritance: Autosomal dominant inheritance. Affected: yes.